The following is an entry in ClinVar:

ClinVar aggregate classification (germline): Pathogenic (1 of 4 stars; one submission).

Submission:

Labcorp Genetics (formerly Invitae), Labcorp
Classification: Pathogenic. Last evaluated: 2021-08-04. Review status: criteria provided, single submitter. Criteria: Invitae Variant Classification Sherloc (09022015). Collection method: clinical testing. Allele origin: germline.
Comment: This variant is a gross deletion of the genomic region encompassing exon(s) 21 of the PHEX gene. While this deletion is not anticipated to lead to nonsense mediated decay, it is expected to disrupt the C-terminus of the protein. A similar copy number variant has been observed in individual(s) with hypophosphatemia (Invitae). This variant disrupts the p.Cys693 amino acid residue in PHEX. Other variant(s) that disrupt this residue have been determined to be pathogenic (PMID: 10737991, 30682568; Invitae). This suggests that this residue is clinically significant, and that variants that disrupt this residue are likely to be disease-causing. For these reasons, this variant has been classified as Pathogenic.

Literature cited by the submitters: PubMed 10737991; PubMed 30682568.

NC_000023.10:g.(?_22263430)_(22263546_?)del

Gene: PHEX (phosphate regulating endopeptidase X-linked; plus strand). Cytogenetic location: Xp22.11.
Variant type: Deletion.
Identifiers: ClinVar variation 2423102 (VCV002423102.3).